The following is an entry in ClinVar:

ClinVar aggregate classification (germline): Uncertain significance (1 of 4 stars; one submission).

gnomAD v4.1: 1 of 1,591,292 alleles (0.000063%); highest among the groups gnomAD compares: Non-Finnish European, 0.000086%; no homozygotes.

Submission:

GeneDx
Classification: Uncertain significance. Last evaluated: 2025-02-19. Review status: criteria provided, single submitter. Criteria: GeneDx Variant Classification Process June 2021. Collection method: clinical testing. Allele origin: germline. Affected: yes.
Comment: Not observed at significant frequency in large population cohorts (gnomAD); In silico analysis supports that this missense variant has a deleterious effect on protein structure/function; In silico analysis suggests this variant may impact gene splicing. In the absence of RNA/functional studies, the actual effect of this sequence change is unknown.; Has not been previously published as pathogenic or benign to our knowledge

NM_000844.4(GRM7):c.1175G>T (p.Gly392Val)

Gene: GRM7 (glutamate metabotropic receptor 7; plus strand). Cytogenetic location: 3p26.1.
Variant type: single nucleotide variant.
Coding change: c.1175G>T on transcript NM_000844.4 (MANE Select); coding-DNA position 1175, G replaced by T.
Protein change: p.Gly392Val; replaces glycine 392 with valine.
Molecular consequence: missense variant.
Genome position (GRCh38, 1-based): chr3:7,452,607, G>T. VCF-style: chr3-7452607-G-T. GRCh37 (hg19) VCF-style: chr3-7494294-G-T.
Other names: c.1175G>T, p.Gly392Val (NM_181874.3); short protein forms G392V.
Identifiers: ClinVar variation 4076858 (VCV004076858.1).